The following is an entry in ClinVar:

NM_020184.4(CNNM4):c.1823C>T (p.Pro608Leu)

Gene: CNNM4 (cyclin and CBS domain divalent metal cation transport mediator 4; plus strand). Cytogenetic location: 2q11.2.
Variant type: single nucleotide variant.
Coding change: c.1823C>T on transcript NM_020184.4 (MANE Select); coding-DNA position 1823, C replaced by T.
Protein change: p.Pro608Leu; replaces proline 608 with leucine.
Molecular consequence: missense variant.
Genome position (GRCh38, 1-based): chr2:96,799,198, C>T. VCF-style: chr2-96799198-C-T. GRCh37 (hg19) VCF-style: chr2-97464935-C-T.
Other names: short protein forms P608L.
Identifiers: ClinVar variation 859234 (VCV000859234.10), dbSNP rs776513564, ClinGen allele CA1783477.
Genomic context (GRCh38, chr2:96,799,198, plus strand): 5'-TCAAGTTTGACGAGCACAATAAGTACTACGCCCGCCATTACCTGTACACCCGAAATAAGC[C>T]GGCCGACTACTTCATCCTCATCCTGCAGGTGAGCCCGCTCAGCCCTGGGCCTGCCACCTG-3'
Protein context (NP_064569.3, residues 598-618): ARHYLYTRNK[Pro608Leu]ADYFILILQG

ClinVar aggregate classification (germline): Uncertain significance. Review status: criteria provided, multiple submitters, no conflicts (2 of 4 stars). 2 submissions from 2 submitters: Uncertain significance (2). Last evaluated 2024-09-06.

Allele frequency attached by ClinVar (database versions not stated): TOPMed below 0.00001; gnomAD 0.00001; gnomAD exomes 0.00002 and 0.00003; ExAC 0.00005.
gnomAD v4.1: 27 of 1,614,076 alleles (0.0017%); highest among the groups gnomAD compares: Admixed American, 0.0067%; no homozygotes.

Submissions (2):

Blueprint Genetics
Classification: Uncertain significance. Last evaluated: 2024-09-06. Review status: criteria provided, single submitter. Criteria: ACMG Guidelines, 2015. Collection method: clinical testing. Allele origin: germline.

Labcorp Genetics (formerly Invitae), Labcorp
Classification: Uncertain significance. Last evaluated: 2020-02-22. Review status: criteria provided, single submitter. Criteria: Invitae Variant Classification Sherloc (09022015). Collection method: clinical testing. Allele origin: germline.
Comment: In summary, the available evidence is currently insufficient to determine the role of this variant in disease. Therefore, it has been classified as a Variant of Uncertain Significance. Algorithms developed to predict the effect of missense changes on protein structure and function (SIFT, PolyPhen-2, Align-GVGD) all suggest that this variant is likely to be tolerated, but these predictions have not been confirmed by published functional studies and their clinical significance is uncertain. This variant has not been reported in the literature in individuals with CNNM4-related conditions. This variant is present in population databases (rs776513564, ExAC 0.02%). This sequence change replaces proline with leucine at codon 608 of the CNNM4 protein (p.Pro608Leu). The proline residue is moderately conserved and there is a moderate physicochemical difference between proline and leucine.